The following is an entry in ClinVar:

NM_020297.4(ABCC9):c.355A>G (p.Ile119Val)

Gene: ABCC9 (ATP binding cassette subfamily C member 9; minus strand). Cytogenetic location: 12p12.1.
Variant type: single nucleotide variant.
Coding change: c.355A>G on transcript NM_020297.4 (MANE Select); coding-DNA position 355, A replaced by G.
Protein change: p.Ile119Val; replaces isoleucine 119 with valine.
Molecular consequence: missense variant. On other transcripts: 5 prime UTR variant (1).
Genome position (GRCh38, 1-based): chr12:21,925,993, T>C on the plus strand (A>G on the coding strand, the complement: ABCC9 is on the minus strand). VCF-style: chr12-21925993-T-C. GRCh37 (hg19) VCF-style: chr12-22078927-T-C.
Other names: c.355A>G, p.Ile119Val (NM_001377273.1, NM_005691.4); c.-100A>G (NM_001377274.1); c.355A>G (NM_005691.2); short protein forms I119V.
Identifiers: ClinVar variation 951612 (VCV000951612.10), dbSNP rs745873108, ClinGen allele CA6481895.

ClinVar aggregate classification (germline): Uncertain significance. Review status: criteria provided, multiple submitters, no conflicts (2 of 4 stars). 2 submissions from 2 submitters: Uncertain significance (2). Last evaluated 2025-10-28.

Conditions:
Cardiovascular phenotype. Identifiers: MedGen CN230736.
Dilated cardiomyopathy 1O (CMD1O). Also called: CARDIOMYOPATHY, DILATED, WITH VENTRICULAR TACHYCARDIA. Identifiers: Orphanet 154, MedGen C1837839, MONDO:0012062, OMIM 608569.

Allele frequency attached by ClinVar (database versions not stated): gnomAD below 0.00001 and 0.00001; gnomAD exomes below 0.00001; ExAC 0.00001.
gnomAD v4.1: 7 of 1,613,782 alleles (0.00043%); highest among the groups gnomAD compares: South Asian, 0.0066%; no homozygotes.

Submissions (2):

Labcorp Genetics (formerly Invitae), Labcorp
Classification: Uncertain significance for Dilated cardiomyopathy 1O. Last evaluated: 2025-10-28. Review status: criteria provided, single submitter. Criteria: Invitae Variant Classification Sherloc (09022015). Collection method: clinical testing. Allele origin: germline.
Comment: This sequence change replaces isoleucine, which is neutral and non-polar, with valine, which is neutral and non-polar, at codon 119 of the ABCC9 protein (p.Ile119Val). This variant is present in population databases (rs745873108, gnomAD 0.003%). This variant has not been reported in the literature in individuals affected with ABCC9-related conditions. ClinVar contains an entry for this variant (Variation ID: 951612). Invitae Evidence Modeling of protein sequence and biophysical properties (such as structural, functional, and spatial information, amino acid conservation, physicochemical variation, residue mobility, and thermodynamic stability) indicates that this missense variant is not expected to disrupt ABCC9 protein function with a negative predictive value of 80%. In summary, the available evidence is currently insufficient to determine the role of this variant in disease. Therefore, it has been classified as a Variant of Uncertain Significance.

Ambry Genetics
Classification: Uncertain significance for Cardiovascular phenotype. Last evaluated: 2023-10-23. Review status: criteria provided, single submitter. Criteria: Ambry Variant Classification Scheme 2023. Collection method: clinical testing. Allele origin: germline.
Comment: The p.I119V variant (also known as c.355A>G), located in coding exon 3 of the ABCC9 gene, results from an A to G substitution at nucleotide position 355. The isoleucine at codon 119 is replaced by valine, an amino acid with highly similar properties. This amino acid position is well conserved in available vertebrate species. In addition, this alteration is predicted to be tolerated by in silico analysis. Since supporting evidence is limited at this time, the clinical significance of this alteration remains unclear.